The following is an entry in ClinVar:

ClinVar aggregate classification (germline): Benign/Likely benign. Review status: criteria provided, multiple submitters, no conflicts (2 of 4 stars). 8 submissions from 8 submitters: Benign (1); Likely benign (6). 1 of the submissions does not count toward it. Last evaluated 2026-03-20.

Conditions:
Cardiovascular phenotype. Identifiers: MedGen CN230736.
Alstrom syndrome (ALMS). Identifiers: Orphanet 64, MedGen C0268425, MONDO:0008763, OMIM 203800.

Allele frequency attached by ClinVar (database versions not stated): gnomAD exomes 0.00023 and 0.00066; ExAC 0.00077; gnomAD 0.00227 and 0.00245; ESP Exome Variant Server 0.00245; TOPMed 0.00265; 1000 Genomes Project 0.00319; 1000 Genomes Project 30x 0.00390.
gnomAD v4.1: 703 of 1,614,006 alleles (0.044%); highest among the groups gnomAD compares: African/African-American, 0.75%; 3 homozygotes.

Submissions (8):

Women's Health and Genetics/Laboratory Corporation of America, LabCorp
Classification: Likely benign. Last evaluated: 2026-03-20. Review status: criteria provided, single submitter. Criteria: LabCorp Variant Classification Summary - May 2015. Collection method: clinical testing. Allele origin: germline.

Labcorp Genetics (formerly Invitae), Labcorp
Classification: Benign for Alstrom syndrome. Last evaluated: 2026-02-03. Review status: criteria provided, single submitter. Criteria: Invitae Variant Classification Sherloc (09022015). Collection method: clinical testing. Allele origin: germline.

Blueprint Genetics
Classification: Likely benign. Last evaluated: 2024-10-08. Review status: criteria provided, single submitter. Criteria: ACMG Guidelines, 2015. Collection method: clinical testing. Allele origin: germline.

CeGaT Center for Human Genetics Tuebingen
Classification: Likely benign. Last evaluated: 2024-07-01. Review status: criteria provided, single submitter. Criteria: CeGaT Center For Human Genetics Tuebingen Variant Classification Criteria Version 2. Collection method: clinical testing. Allele origin: germline. Affected: yes. Observed: 2 variant alleles.
Comment: ALMS1: BP4, BP7

GeneDx
Classification: Likely benign. Last evaluated: 2020-09-17. Review status: criteria provided, single submitter. Criteria: GeneDx Variant Classification Process June 2021. Collection method: clinical testing. Allele origin: germline. Affected: yes.

Ambry Genetics
Classification: Likely benign for Cardiovascular phenotype. Last evaluated: 2019-01-31. Review status: criteria provided, single submitter. Criteria: Ambry Variant Classification Scheme 2023. Collection method: clinical testing. Allele origin: germline.

Breakthrough Genomics
Classification: Likely benign. Review status: criteria provided, single submitter. Criteria: ACMG Guidelines, 2015. Collection method: not provided. Allele origin: germline. Inheritance: Autosomal recessive inheritance. Affected: yes.

Genetic Services Laboratory, University of Chicago
Classification: Likely benign. Last evaluated: 2022-11-06. Review status: no assertion criteria provided. Collection method: clinical testing. Allele origin: germline. Affected: no. Not counted in ClinVar's aggregate classification.

NM_001378454.1(ALMS1):c.2730C>T (p.His910=)

Gene: ALMS1 (ALMS1 centrosome and basal body associated protein; plus strand). Cytogenetic location: 2p13.1.
Variant type: single nucleotide variant.
Coding change: c.2730C>T on transcript NM_001378454.1 (MANE Select); coding-DNA position 2730, C replaced by T.
Protein change: p.His910=; no amino-acid change (histidine 910 retained).
Molecular consequence: synonymous variant.
Genome position (GRCh38, 1-based): chr2:73,449,257, C>T. VCF-style: chr2-73449257-C-T. GRCh37 (hg19) VCF-style: chr2-73676384-C-T.
Other names: c.2733C>T, p.His911= (NM_015120.4).
Identifiers: ClinVar variation 220883 (VCV000220883.42), dbSNP rs189923349, ClinGen allele CA349825.